The following is an entry in ClinVar:

ClinVar aggregate classification (germline): Uncertain significance (1 of 4 stars; one submission).

Conditions:
ALG12-congenital disorder of glycosylation (CDG1G). Also called: CDG Ig; Congenital disorder of glycosylation, type Ig; ALG12-CDG. Identifiers: Orphanet 79324, MedGen C2931001, MONDO:0011783, OMIM 607143.

Allele frequency attached by ClinVar (database versions not stated): ExAC 0.00001; gnomAD exomes 0.00001.
gnomAD v4.1: 3 of 1,614,248 alleles (0.00019%); highest among the groups gnomAD compares: East Asian, 0.0022%; no homozygotes.

Submission:

Labcorp Genetics (formerly Invitae), Labcorp
Classification: Uncertain significance for ALG12-congenital disorder of glycosylation. Last evaluated: 2022-07-19. Review status: criteria provided, single submitter. Criteria: Invitae Variant Classification Sherloc (09022015). Collection method: clinical testing. Allele origin: germline.
Comment: In summary, the available evidence is currently insufficient to determine the role of this variant in disease. Therefore, it has been classified as a Variant of Uncertain Significance. Variants that disrupt the consensus splice site are a relatively common cause of aberrant splicing (PMID: 17576681, 9536098). Algorithms developed to predict the effect of sequence changes on RNA splicing suggest that this variant is not likely to affect RNA splicing. This variant has not been reported in the literature in individuals affected with ALG12-related conditions. This variant is present in population databases (rs777963575, gnomAD 0.006%). This sequence change falls in intron 9 of the ALG12 gene. It does not directly change the encoded amino acid sequence of the ALG12 protein. It affects a nucleotide within the consensus splice site.

Literature cited by the submitters: PubMed 17576681; PubMed 9536098.

NM_024105.4(ALG12):c.1238+5G>T

Gene: ALG12 (ALG12 alpha-1,6-mannosyltransferase; minus strand). Cytogenetic location: 22q13.33.
Variant type: single nucleotide variant.
Coding change: c.1238+5G>T on transcript NM_024105.4 (MANE Select); 5 bases into the intron after coding-DNA position 1238, G replaced by T.
Molecular consequence: intron variant.
Genome position (GRCh38, 1-based): chr22:49,904,174, C>A on the plus strand (G>T on the coding strand, the complement: ALG12 is on the minus strand). VCF-style: chr22-49904174-C-A. GRCh37 (hg19) VCF-style: chr22-50297822-C-A.
Identifiers: ClinVar variation 1957314 (VCV001957314.5), dbSNP rs777963575, ClinGen allele CA10300289.